The following is an entry in ClinVar:

ClinVar aggregate classification (germline): Pathogenic. Review status: criteria provided, multiple submitters, no conflicts (2 of 4 stars). 9 submissions from 9 submitters: Pathogenic (8). 1 of the submissions does not count toward it. Last evaluated 2026-07-30.

Conditions:
CYP27B1-related disorder. Also called: CYP27B1-related condition.
Vitamin D-dependent rickets, type 1A. Also called: VITAMIN D HYDROXYLATION-DEFICIENT RICKETS, TYPE 1A; PSEUDOVITAMIN D-DEFICIENCY RICKETS, TYPE IA; PDDR IA. Identifiers: MedGen CN283242, MONDO:0020723, OMIM 264700.

Allele frequency attached by ClinVar (database versions not stated): gnomAD 0.00003 and 0.00004; gnomAD exomes 0.00003 and 0.00004; TOPMed 0.00003; ExAC 0.00007.

Submissions (9):

PreventionGenetics, part of Exact Sciences
Classification: Pathogenic for CYP27B1-related condition. Last evaluated: 2026-07-30. Review status: criteria provided, single submitter. Criteria: ACMG Guidelines, 2015. Collection method: clinical testing. Allele origin: germline.
Comment: The CYP27B1 c.262delG variant is predicted to result in a frameshift and premature protein termination (p.Val88Trpfs*71). This variant has been reported in the homozygous or compound heterozygous states in individuals with vitamin D-deficiency rickets type I, and this variant is suspected to be a founder mutation in French-Canadian population originating from the Charlevoix-Saguenay-Lac Saint Jean region (reported as 958delG, Wang et al. 1998. PubMed ID: 9837822; Kim et al. 2007. PubMed ID: 17488797; Fortin et al. 2022. PubMed ID: 35600579). This variant is reported in 0.009% of alleles in individuals of European (Non-Finnish) descent in gnomAD. Frameshift variants in CYP27B1 are expected to be pathogenic. This variant is interpreted as pathogenic.

Clinical Biomedical Laboratory, Shriners Hospital For Children - Canada
Classification: Pathogenic for Vitamin D-dependent rickets, type 1A. Last evaluated: 2026-03-10. Review status: criteria provided, single submitter. Criteria: ACMG Guidelines, 2015. Collection method: clinical testing. Allele origin: germline. Affected: yes.
Comment: This variant is predicted to substitute a valine residue by a tryptophan residue, cause a frameshift and introduce a stop codon 71 amino acids downstream. In the Genome Aggregation Database (gnomAD v2.1.1) this variant is very rare. This variant has been reported in the literature (for example: PubMed: 20926527). Based on the ACMG variant interpretation guidelines, the available evidence supports classification of this variant as pathogenic.

Rare Kidney Stone Consortium and the Mayo Clinic Hyperoxaluria Center, Mayo Clinic
Classification: Pathogenic for Vitamin D-dependent rickets, type 1A. Last evaluated: 2025-10-03. Review status: criteria provided, single submitter. Criteria: ACMG Guidelines, 2015. Collection method: research. Allele origin: germline. Observed: 2 variant alleles.
Comment: ACMG:PVS1, PM2, PP5

Blueprint Genetics
Classification: Pathogenic for CYP27B1-related disorders. Last evaluated: 2024-11-20. Review status: criteria provided, single submitter. Criteria: ACMG Guidelines, 2015. Collection method: clinical testing. Allele origin: germline. Affected: yes. Observed: 5 variant alleles.

Fulgent Genetics
Classification: Pathogenic for Vitamin D-dependent rickets, type 1A. Last evaluated: 2024-05-16. Review status: criteria provided, single submitter. Criteria: ACMG Guidelines, 2015. Collection method: clinical testing. Allele origin: germline.

Labcorp Genetics (formerly Invitae), Labcorp
Classification: Pathogenic. Last evaluated: 2024-01-08. Review status: criteria provided, single submitter. Criteria: Invitae Variant Classification Sherloc (09022015). Collection method: clinical testing. Allele origin: germline.
Comment: This sequence change creates a premature translational stop signal (p.Val88Trpfs*71) in the CYP27B1 gene. It is expected to result in an absent or disrupted protein product. Loss-of-function variants in CYP27B1 are known to be pathogenic (PMID: 9837822, 17488797). This variant is present in population databases (rs387906260, gnomAD 0.009%). This premature translational stop signal has been observed in individual(s) with vitamin D-dependent rickets (PMID: 25086671). ClinVar contains an entry for this variant (Variation ID: 1664). For these reasons, this variant has been classified as Pathogenic.

GeneDx
Classification: Pathogenic. Last evaluated: 2023-03-22. Review status: criteria provided, single submitter. Criteria: GeneDx Variant Classification Process June 2021. Collection method: clinical testing. Allele origin: germline. Affected: yes.
Comment: Common recurring hotspot deletion that has been reported previously in association with vitamin D-dependent rickets (VDDR type 1; also known as pseudo vitamin D deficiency rickets and vitamin D 1-alpha hydroxylase deficiency); Frameshift variant predicted to result in protein truncation or nonsense mediated decay in a gene for which loss-of-function is a known mechanism of disease; This variant is associated with the following publications: (PMID: 25086671, 1937486, 9837822, 16143014, 9844119, 35600579)

Women's Health and Genetics/Laboratory Corporation of America, LabCorp
Classification: Pathogenic for Vitamin D-dependent rickets, type 1A. Last evaluated: 2022-10-15. Review status: criteria provided, single submitter. Criteria: LabCorp Variant Classification Summary - May 2015. Collection method: clinical testing. Allele origin: germline.
Comment: Variant summary: CYP27B1 c.262delG (p.Val88TrpfsX71) results in a premature termination codon, predicted to cause a truncation of the encoded protein or absence of the protein due to nonsense mediated decay, which are commonly known mechanisms for disease. The variant allele was found at a frequency of 3.5e-05 in 142666 control chromosomes. c.262delG has been reported in the literature in multiple individuals affected with features of Vitamin D-Dependent Rickets, Type 1 (example, Edouard_2011). These data indicate that the variant is very likely to be associated with disease. One clinical diagnostic laboratory has submitted clinical-significance assessments for this variant to ClinVar after 2014 and classified the variant as pathogenic. Based on the evidence outlined above, the variant was classified as pathogenic.

OMIM
Classification: Pathogenic for VITAMIN D HYDROXYLATION-DEFICIENT RICKETS, TYPE 1A. Last evaluated: 1998-12-01. Review status: no assertion criteria provided. Collection method: literature only. Allele origin: germline. Not counted in ClinVar's aggregate classification.

Literature cited by the submitters: PubMed 20926527 (cited by Clinical Biomedical Laboratory, Shriners Hospital For Children - Canada and Women's Health and Genetics/Laboratory Corporation of America, LabCorp); PubMed 9837822 (cited by 3 submitters); PubMed 35600579 (cited by Rare Kidney Stone Consortium and the Mayo Clinic Hyperoxaluria Center, Mayo Clinic); PubMed 40794449 (cited by Rare Kidney Stone Consortium and the Mayo Clinic Hyperoxaluria Center, Mayo Clinic); PubMed 17488797 (cited by Labcorp Genetics (formerly Invitae), Labcorp); PubMed 25086671 (cited by Labcorp Genetics (formerly Invitae), Labcorp).

NM_000785.4(CYP27B1):c.262del (p.Val88fs)

Gene: CYP27B1 (cytochrome P450 family 27 subfamily B member 1; minus strand). Cytogenetic location: 12q14.1.
Variant type: Deletion.
Coding change: c.262del on transcript NM_000785.4 (MANE Select); coding-DNA position 262, one base deleted (G; older notation c.262delG).
Protein change: p.Val88fs; shifts the reading frame from valine 88.
Molecular consequence: frameshift variant.
Genome position (GRCh38, 1-based): chr12:57,766,131, C deleted on the plus strand (G on the coding strand, the reverse complement: CYP27B1 is on the minus strand). VCF-style (leftmost placement, unchanged base first): chr12-57766130-AC-A. GRCh37 (hg19) VCF-style: chr12-58159913-AC-A.
Other names: c.262delG (NM_000785.3, NM_000785.4); short protein forms V88fs.
Identifiers: ClinVar variation 1664 (VCV000001664.15), dbSNP rs387906260, ClinGen allele CA115130.